The following is an entry in ClinVar:

ClinVar aggregate classification (germline): Uncertain significance (1 of 4 stars; one submission).

Conditions:
Immunodeficiency 14 (IMD14A). Also called: p110-DELTA-ACTIVATING MUTATION CAUSING SENESCENT T CELLS, LYMPHADENOPATHY, AND IMMUNODEFICIENCY; ACTIVATED PI3K-DELTA SYNDROME 1; Activated PI3K Delta Syndrome Type 1 (APDS1); IMMUNODEFICIENCY 14A WITH LYMPHOPROLIFERATION, AUTOSOMAL DOMINANT. Identifiers: Orphanet 397596, Orphanet 693661, MedGen C5907821, MONDO:0014222, OMIM 615513.

gnomAD v4.1: 13 of 1,614,002 alleles (0.00081%); highest among the groups gnomAD compares: Admixed American, 0.012%; no homozygotes.

Submission:

Labcorp Genetics (formerly Invitae), Labcorp
Classification: Uncertain significance for Activated PI3K-delta syndrome. Last evaluated: 2025-08-04. Review status: criteria provided, single submitter. Criteria: Invitae Variant Classification Sherloc (09022015). Collection method: clinical testing. Allele origin: germline.
Comment: This sequence change replaces arginine, which is basic and polar, with glycine, which is neutral and non-polar, at codon 324 of the PIK3CD protein (p.Arg324Gly). This variant is present in population databases (rs762697236, gnomAD 0.003%). This variant has not been reported in the literature in individuals affected with PIK3CD-related conditions. Invitae Evidence Modeling of protein sequence and biophysical properties (such as structural, functional, and spatial information, amino acid conservation, physicochemical variation, residue mobility, and thermodynamic stability) indicates that this missense variant is not expected to disrupt PIK3CD protein function with a negative predictive value of 80%. In summary, the available evidence is currently insufficient to determine the role of this variant in disease. Therefore, it has been classified as a Variant of Uncertain Significance.

NM_005026.5(PIK3CD):c.970C>G (p.Arg324Gly)

Gene: PIK3CD (phosphatidylinositol-4,5-bisphosphate 3-kinase catalytic subunit delta; plus strand). Cytogenetic location: 1p36.22.
Variant type: single nucleotide variant.
Coding change: c.970C>G on transcript NM_005026.5 (MANE Select); coding-DNA position 970, C replaced by G.
Protein change: p.Arg324Gly; replaces arginine 324 with glycine.
Molecular consequence: missense variant.
Genome position (GRCh38, 1-based): chr1:9,717,576, C>G. VCF-style: chr1-9717576-C-G. GRCh37 (hg19) VCF-style: chr1-9777634-C-G.
Other names: c.970C>G, p.Arg324Gly (NM_001350234.2, NM_001437546.1, NM_001437547.1 and 2 more transcripts); c.883C>G, p.Arg295Gly (NM_001350235.1); short protein forms R295G, R324G.
Identifiers: ClinVar variation 4729184 (VCV004729184.1).